The following is an entry in ClinVar:

NM_007327.4(GRIN1):c.2172-12C>T

Gene: GRIN1 (glutamate ionotropic receptor NMDA type subunit 1; plus strand). Cytogenetic location: 9q34.3.
Variant type: single nucleotide variant.
Coding change: c.2172-12C>T on transcript NM_007327.4 (MANE Select); 12 bases into the intron before coding-DNA position 2172, C replaced by T.
Molecular consequence: intron variant.
Genome position (GRCh38, 1-based): chr9:137,163,157, C>T. VCF-style: chr9-137163157-C-T. GRCh37 (hg19) VCF-style: chr9-140057609-C-T.
Other names: c.2235-12C>T (NM_001185090.2, NM_001185091.2); c.2172-12C>T (NM_021569.4, NM_000832.7).
Identifiers: ClinVar variation 509378 (VCV000509378.9), dbSNP rs775639156, ClinGen allele CA5361080.

ClinVar aggregate classification (germline): Likely benign. Review status: criteria provided, multiple submitters, no conflicts (2 of 4 stars). 2 submissions from 2 submitters: Likely benign (2). Last evaluated 2023-10-05.

Conditions:
Neurodevelopmental disorder with or without hyperkinetic movements and seizures, autosomal dominant. Also called: Intellectual disability, autosomal dominant 8. Identifiers: MedGen C3280282, MONDO:0013655, OMIM 614254.

Allele frequency attached by ClinVar (database versions not stated): ExAC 0.00001; gnomAD exomes 0.00001.
gnomAD v4.1: 3 of 1,612,472 alleles (0.00019%); highest among the groups gnomAD compares: South Asian, 0.0033%; no homozygotes.

Submissions (2):

Labcorp Genetics (formerly Invitae), Labcorp
Classification: Likely benign for Neurodevelopmental disorder with or without hyperkinetic movements and seizures, autosomal dominant. Last evaluated: 2023-10-05. Review status: criteria provided, single submitter. Criteria: Invitae Variant Classification Sherloc (09022015). Collection method: clinical testing. Allele origin: germline.

GeneDx
Classification: Likely benign. Last evaluated: 2017-05-04. Review status: criteria provided, single submitter. Criteria: GeneDx Variant Classification (06012015). Collection method: clinical testing. Allele origin: germline. Affected: yes.
Comment: This variant is considered likely benign or benign based on one or more of the following criteria: it is a conservative change, it occurs at a poorly conserved position in the protein, it is predicted to be benign by multiple in silico algorithms, and/or has population frequency not consistent with disease.